The following is an entry in ClinVar:

ClinVar aggregate classification (germline): Uncertain significance (1 of 4 stars; one submission).

Allele frequency attached by ClinVar (database versions not stated): gnomAD 0.00001; gnomAD exomes below 0.00001.
gnomAD v4.1: 4 of 1,614,082 alleles (0.00025%); highest among the groups gnomAD compares: Non-Finnish European, 0.00034%; no homozygotes.

Submission:

Labcorp Genetics (formerly Invitae), Labcorp
Classification: Uncertain significance. Last evaluated: 2023-06-28. Review status: criteria provided, single submitter. Criteria: Invitae Variant Classification Sherloc (09022015). Collection method: clinical testing. Allele origin: germline.
Comment: This variant has not been reported in the literature in individuals affected with FAT4-related conditions. In summary, the available evidence is currently insufficient to determine the role of this variant in disease. Therefore, it has been classified as a Variant of Uncertain Significance. Advanced modeling of protein sequence and biophysical properties (such as structural, functional, and spatial information, amino acid conservation, physicochemical variation, residue mobility, and thermodynamic stability) performed at Invitae indicates that this missense variant is not expected to disrupt FAT4 protein function. This variant is present in population databases (rs200169032, gnomAD 0.007%). This sequence change replaces valine, which is neutral and non-polar, with alanine, which is neutral and non-polar, at codon 1526 of the FAT4 protein (p.Val1526Ala).

NM_001291303.3(FAT4):c.4577T>C (p.Val1526Ala)

Gene: FAT4 (FAT atypical cadherin 4; plus strand). Cytogenetic location: 4q28.1.
Variant type: single nucleotide variant.
Coding change: c.4577T>C on transcript NM_001291303.3 (MANE Select); coding-DNA position 4577, T replaced by C.
Protein change: p.Val1526Ala; replaces valine 1526 with alanine.
Molecular consequence: missense variant.
Genome position (GRCh38, 1-based): chr4:125,320,988, T>C. VCF-style: chr4-125320988-T-C. GRCh37 (hg19) VCF-style: chr4-126242143-T-C.
Other names: c.4577T>C, p.Val1526Ala (NM_001291285.3, NM_024582.6); short protein forms V1526A.
Identifiers: ClinVar variation 2874607 (VCV002874607.3), dbSNP rs200169032, ClinGen allele CA104867318.